The following is an entry in ClinVar:

ClinVar aggregate classification (germline): Uncertain significance. Review status: criteria provided, multiple submitters, no conflicts (2 of 4 stars). 2 submissions from 2 submitters: Uncertain significance (2). Last evaluated 2025-01-09.

Allele frequency attached by ClinVar (database versions not stated): gnomAD exomes below 0.00001; TOPMed below 0.00001; gnomAD 0.00001.
gnomAD v4.1: 7 of 1,551,760 alleles (0.00045%); highest among the groups gnomAD compares: East Asian, 0.017%; no homozygotes.

Submissions (2):

Ambry Genetics
Classification: Uncertain significance. Last evaluated: 2025-01-09. Review status: criteria provided, single submitter. Criteria: Ambry Variant Classification Scheme 2023. Collection method: clinical testing. Allele origin: germline.

Labcorp Genetics (formerly Invitae), Labcorp
Classification: Uncertain significance. Last evaluated: 2023-10-22. Review status: criteria provided, single submitter. Criteria: Invitae Variant Classification Sherloc (09022015). Collection method: clinical testing. Allele origin: germline.
Comment: This sequence change replaces asparagine, which is neutral and polar, with aspartic acid, which is acidic and polar, at codon 550 of the DTHD1 protein (p.Asn550Asp). This variant is not present in population databases (gnomAD no frequency). This variant has not been reported in the literature in individuals affected with DTHD1-related conditions. An algorithm developed to predict the effect of missense changes on protein structure and function (PolyPhen-2) suggests that this variant is likely to be tolerated. In summary, the available evidence is currently insufficient to determine the role of this variant in disease. Therefore, it has been classified as a Variant of Uncertain Significance.

NM_001170700.3(DTHD1):c.2518A>G (p.Asn840Asp)

Gene: DTHD1 (death domain containing 1; plus strand). Cytogenetic location: 4p14.
Variant type: single nucleotide variant.
Coding change: c.2518A>G on transcript NM_001170700.3 (MANE Select); coding-DNA position 2518, A replaced by G.
Protein change: p.Asn840Asp; replaces asparagine 840 with aspartic acid.
Molecular consequence: missense variant. On other transcripts: synonymous variant (1), non-coding transcript variant (2).
Genome position (GRCh38, 1-based): chr4:36,343,621, A>G. VCF-style: chr4-36343621-A-G. GRCh37 (hg19) VCF-style: chr4-36345243-A-G.
Other names: c.1648A>G, p.Asn550Asp (NM_001136536.5); c.1527A>G, p.Arg509= (NM_001378435.1); c.2143A>G (NM_001170700.1); short protein forms N840D, N550D.
Identifiers: ClinVar variation 2967780 (VCV002967780.4), dbSNP rs1406567270, ClinGen allele CA356682265.